The following is an entry in ClinVar:

NM_006180.6(NTRK2):c.1870G>A (p.Val624Met)

Gene: NTRK2 (neurotrophic receptor tyrosine kinase 2; plus strand). Cytogenetic location: 9q21.33.
Variant type: single nucleotide variant.
Coding change: c.1870G>A on transcript NM_006180.6 (MANE Select); coding-DNA position 1870, G replaced by A.
Protein change: p.Val624Met; replaces valine 624 with methionine.
Molecular consequence: missense variant.
Genome position (GRCh38, 1-based): chr9:84,948,567, G>A. VCF-style: chr9-84948567-G-A. GRCh37 (hg19) VCF-style: chr9-87563482-G-A.
Other names: c.1822G>A, p.Val608Met (NM_001018064.3, NM_001369532.1, NM_001369533.1); c.1786G>A, p.Val596Met (NM_001369534.1); c.1354G>A, p.Val452Met (NM_001369535.1); c.1402G>A, p.Val468Met (NM_001369536.1); c.1870G>A, p.Val624Met (NM_001381928.1); c.1870G>A (NM_006180.4); short protein forms V452M, V468M, V596M, V608M, V624M.
Identifiers: ClinVar variation 3065820 (VCV003065820.3), dbSNP rs1194954580, ClinGen allele CA374009710.

ClinVar aggregate classification (germline): Uncertain significance. Review status: criteria provided, multiple submitters, no conflicts (2 of 4 stars). 3 submissions from 3 submitters: Uncertain significance (2). 1 of the submissions does not count toward it. Last evaluated 2025-11-27.

Conditions:
NTRK2-related disorder. Also called: NTRK2-related condition.
Obesity, hyperphagia, and developmental delay (OBHD). Identifiers: Orphanet 99704, MedGen C3151303, MONDO:0013483, OMIM 613886.

Allele frequency attached by ClinVar (database versions not stated): gnomAD exomes 0.00001; TOPMed 0.00002.
gnomAD v4.1: 12 of 1,613,958 alleles (0.00074%); highest among the groups gnomAD compares: East Asian, 0.0022%; no homozygotes.

Submissions (3):

Labcorp Genetics (formerly Invitae), Labcorp
Classification: Uncertain significance. Last evaluated: 2025-11-27. Review status: criteria provided, single submitter. Criteria: Invitae Variant Classification Sherloc (09022015). Collection method: clinical testing. Allele origin: germline.
Comment: This sequence change replaces valine, which is neutral and non-polar, with methionine, which is neutral and non-polar, at codon 624 of the NTRK2 protein (p.Val624Met). This variant is present in population databases (no rsID available, gnomAD 0.0009%). This variant has not been reported in the literature in individuals affected with NTRK2-related conditions. ClinVar contains an entry for this variant (Variation ID: 3065820). Invitae Evidence Modeling of protein sequence and biophysical properties (such as structural, functional, and spatial information, amino acid conservation, physicochemical variation, residue mobility, and thermodynamic stability) indicates that this missense variant is not expected to disrupt NTRK2 protein function with a negative predictive value of 80%. In summary, the available evidence is currently insufficient to determine the role of this variant in disease. Therefore, it has been classified as a Variant of Uncertain Significance.

Genomic Medicine Center of Excellence, King Faisal Specialist Hospital and Research Centre
Classification: Uncertain significance for Obesity, hyperphagia, and developmental delay. Last evaluated: 2024-03-29. Review status: criteria provided, single submitter. Criteria: ACMG Guidelines, 2015. Collection method: clinical testing. Allele origin: germline.

PreventionGenetics, part of Exact Sciences
Classification: Uncertain significance for NTRK2-related condition. Last evaluated: 2024-08-07. Review status: no assertion criteria provided. Collection method: clinical testing. Allele origin: germline. Not counted in ClinVar's aggregate classification.
Comment: The NTRK2 c.1870G>A variant is predicted to result in the amino acid substitution p.Val624Met. To our knowledge, this variant has not been reported in the literature. This variant is reported in 0.00088% of alleles in individuals of European (Non-Finnish) descent in gnomAD. At this time, the clinical significance of this variant is uncertain due to the absence of conclusive functional and genetic evidence.